The following is an entry in ClinVar:

NM_003238.6(TGFB2):c.985_988del (p.Arg328_Asp329insTer)

Gene: TGFB2 (transforming growth factor beta 2; plus strand). Cytogenetic location: 1q41.
Variant type: Deletion.
Coding change: c.985_988del on transcript NM_003238.6 (MANE Select); coding-DNA positions 985 to 988, 4 bases deleted (GATC; older notation c.985_988delGATC).
Protein change: p.Arg328_Asp329insTer.
Molecular consequence: nonsense. On other transcripts: non-coding transcript variant (2).
Genome position (GRCh38, 1-based): chr1:218,437,395-218,437,398, GATC deleted. VCF-style (leftmost placement, unchanged base first): chr1-218437394-GGATC-G. GRCh37 (hg19) VCF-style: chr1-218610736-GGATC-G.
Other names: c.1069_1072del, p.Arg356_Asp357insTer (NM_001135599.4).
Identifiers: ClinVar variation 4280020 (VCV004280020.1).

ClinVar aggregate classification (germline): Likely pathogenic (1 of 4 stars; one submission).

Conditions:
Loeys-Dietz syndrome 4 (LDS4). Also called: ANEURYSM, AORTIC AND CEREBRAL, WITH ARTERIAL TORTUOSITY AND SKELETAL MANIFESTATIONS; TGFB2-Related Loeys-Dietz Syndrome. Identifiers: MedGen C3553762, MONDO:0013897, OMIM 614816.

Submission:

Johns Hopkins Genomics, Johns Hopkins University
Classification: Likely pathogenic for Loeys-Dietz syndrome 4. Last evaluated: 2024-03-13. Review status: criteria provided, single submitter. Criteria: ACMG Guidelines, 2015. Collection method: clinical testing. Allele origin: germline.
Comment: This TGFB2 variant is absent from a large population dataset and has been reported in ClinVar. This frameshift variant is predicted to lead to a premature termination codon (PTC) within the last 50 base pairs of the penultimate exon of the gene, likely escaping nonsense-mediated decay (NMD) and resulting in a truncated protein product. Bioinformatic analysis predicts that this frameshift variant would not affect normal exon 6 splicing, although this has not been confirmed experimentally to our knowledge. A heterozygous frameshift variant (c.1081dupA)* that is downstream of c.1069_1072del was reported to segregate with a syndromic form of thoracic aortic aneurysm and dissection (TAAD) in a single family. We consider c.1069_1072del to be likely pathogenic for Loeys-Dietz syndrome-4.

Literature cited by the submitters: PubMed 22772368; PubMed 22772371; PubMed 24193348.